The following is an entry in ClinVar:

NM_000393.5(COL5A2):c.1414G>A (p.Val472Ile)

Gene: COL5A2 (collagen type V alpha 2 chain; minus strand). Cytogenetic location: 2q32.2.
Variant type: single nucleotide variant.
Coding change: c.1414G>A on transcript NM_000393.5 (MANE Select); coding-DNA position 1414, G replaced by A.
Protein change: p.Val472Ile; replaces valine 472 with isoleucine.
Molecular consequence: missense variant.
Genome position (GRCh38, 1-based): chr2:189,066,770, C>T on the plus strand (G>A on the coding strand, the complement: COL5A2 is on the minus strand). VCF-style: chr2-189066770-C-T. GRCh37 (hg19) VCF-style: chr2-189931496-C-T.
Other names: short protein forms V472I.
Identifiers: ClinVar variation 2961844 (VCV002961844.3), dbSNP rs932169827, ClinGen allele CA62555684.

ClinVar aggregate classification (germline): Uncertain significance (1 of 4 stars; one submission).

Conditions:
Ehlers-Danlos syndrome, classic type, 1 (EDSCL1). Also called: EDS I; EHLERS-DANLOS SYNDROME, GRAVIS TYPE; EHLERS-DANLOS SYNDROME, SEVERE CLASSIC TYPE; Ehlers-Danlos syndrome, type 1; Ehlers-Danlos Syndrome, Classic Type, COL5A1-Related. Identifiers: MedGen C0268335, MONDO:0019567, OMIM 130000.

Submission:

Labcorp Genetics (formerly Invitae), Labcorp
Classification: Uncertain significance for Ehlers-Danlos syndrome, classic type, 1. Last evaluated: 2024-10-30. Review status: criteria provided, single submitter. Criteria: Invitae Variant Classification Sherloc (09022015). Collection method: clinical testing. Allele origin: germline.
Comment: This sequence change replaces valine, which is neutral and non-polar, with isoleucine, which is neutral and non-polar, at codon 472 of the COL5A2 protein (p.Val472Ile). This variant is not present in population databases (gnomAD no frequency). This variant has not been reported in the literature in individuals affected with COL5A2-related conditions. ClinVar contains an entry for this variant (Variation ID: 2961844). Invitae Evidence Modeling of protein sequence and biophysical properties (such as structural, functional, and spatial information, amino acid conservation, physicochemical variation, residue mobility, and thermodynamic stability) indicates that this missense variant is not expected to disrupt COL5A2 protein function with a negative predictive value of 80%. In summary, the available evidence is currently insufficient to determine the role of this variant in disease. Therefore, it has been classified as a Variant of Uncertain Significance.